The following is an entry in ClinVar:

NM_005219.5(DIAPH1):c.2413C>T (p.Arg805Cys)

Gene: DIAPH1 (diaphanous related formin 1; minus strand). Cytogenetic location: 5q31.3.
Variant type: single nucleotide variant.
Coding change: c.2413C>T on transcript NM_005219.5 (MANE Select); coding-DNA position 2413, C replaced by T.
Protein change: p.Arg805Cys; replaces arginine 805 with cysteine.
Molecular consequence: missense variant.
Genome position (GRCh38, 1-based): chr5:141,571,986, G>A on the plus strand (C>T on the coding strand, the complement: DIAPH1 is on the minus strand). VCF-style: chr5-141571986-G-A. GRCh37 (hg19) VCF-style: chr5-140951553-G-A.
Other names: c.2386C>T, p.Arg796Cys (NM_001079812.3); c.2413C>T, p.Arg805Cys (NM_001314007.2); short protein forms R796C, R805C.
Identifiers: ClinVar variation 3750349 (VCV003750349.2).
Genomic context (GRCh38, chr5:141,571,986, plus strand): 5'-TCTTGGTCTGGGCAGAGAAGGTAAGGGTAAGTTTGGCGAAAAGTTCATTGTTCTCAAAGC[G>A]GTCCTCCTTCACCTTTGTCCAGAAGCAGTCCTGGGAGAGGTCCTCAGCCACAAGCTGTGG-3'
Protein context (NP_005210.3, residues 795-815): DCFWTKVKED[Arg805Cys]FENNELFAKL

ClinVar aggregate classification (germline): Uncertain significance (1 of 4 stars; one submission).

Conditions:
Autosomal dominant nonsyndromic hearing loss 1. Also called: KONIGSMARK SYNDROME; DEAFNESS, AUTOSOMAL DOMINANT 1, WITH OR WITHOUT THROMBOCYTOPENIA. Identifiers: Orphanet 90635, MedGen C1852282, MONDO:0007424, OMIM 124900.
Progressive microcephaly-seizures-cortical blindness-developmental delay syndrome. Also called: Seizures, cortical blindness, and microcephaly syndrome. Identifiers: Orphanet 477814, MedGen C5567650, MONDO:0014714, OMIM 616632.

gnomAD v4.1: 2 of 1,614,156 alleles (0.00012%); highest among the groups gnomAD compares: East Asian, 0.0022%; no homozygotes.

Submission:

Labcorp Genetics (formerly Invitae), Labcorp
Classification: Uncertain significance for Progressive microcephaly-seizures-cortical blindness-developmental delay syndrome; Autosomal dominant nonsyndromic hearing loss 1. Last evaluated: 2024-06-13. Review status: criteria provided, single submitter. Criteria: Invitae Variant Classification Sherloc (09022015). Collection method: clinical testing. Allele origin: germline.
Comment: This sequence change replaces arginine, which is basic and polar, with cysteine, which is neutral and slightly polar, at codon 805 of the DIAPH1 protein (p.Arg805Cys). This variant is present in population databases (rs756430268, gnomAD 0.006%). This variant has not been reported in the literature in individuals affected with DIAPH1-related conditions. An algorithm developed to predict the effect of missense changes on protein structure and function (PolyPhen-2) suggests that this variant is likely to be disruptive. In summary, the available evidence is currently insufficient to determine the role of this variant in disease. Therefore, it has been classified as a Variant of Uncertain Significance.